The following is an entry in ClinVar:

NM_206933.4(USH2A):c.15416G>A (p.Gly5139Asp)

Gene: USH2A (usherin; minus strand). Cytogenetic location: 1q41.
Variant type: single nucleotide variant.
Coding change: c.15416G>A on transcript NM_206933.4 (MANE Select); coding-DNA position 15416, G replaced by A.
Protein change: p.Gly5139Asp; replaces glycine 5139 with aspartic acid.
Molecular consequence: missense variant.
Genome position (GRCh38, 1-based): chr1:215,628,917, C>T on the plus strand (G>A on the coding strand, the complement: USH2A is on the minus strand). VCF-style: chr1-215628917-C-T. GRCh37 (hg19) VCF-style: chr1-215802259-C-T.
Other names: c.15416G>A (NM_206933.2); short protein forms G5139D.
Identifiers: ClinVar variation 1426246 (VCV001426246.6), dbSNP rs766644731, ClinGen allele CA1392682.

ClinVar aggregate classification (germline): Uncertain significance. Review status: criteria provided, multiple submitters, no conflicts (2 of 4 stars). 2 submissions from 2 submitters: Uncertain significance (2). Last evaluated 2024-07-10.

Allele frequency attached by ClinVar (database versions not stated): gnomAD 0.00001; TOPMed below 0.00001; ExAC 0.00001; gnomAD exomes 0.00002.
gnomAD v4.1: 14 of 1,613,978 alleles (0.00087%); highest among the groups gnomAD compares: South Asian, 0.0088%; no homozygotes.

Submissions (2):

GeneDx
Classification: Uncertain significance. Last evaluated: 2024-07-10. Review status: criteria provided, single submitter. Criteria: GeneDx Variant Classification Process June 2021. Collection method: clinical testing. Allele origin: germline. Affected: yes.
Comment: In silico analysis indicates that this missense variant does not alter protein structure/function; Has not been previously published as pathogenic or benign to our knowledge

Labcorp Genetics (formerly Invitae), Labcorp
Classification: Uncertain significance. Last evaluated: 2021-09-17. Review status: criteria provided, single submitter. Criteria: Invitae Variant Classification Sherloc (09022015). Collection method: clinical testing. Allele origin: germline.
Comment: This sequence change replaces glycine with aspartic acid at codon 5139 of the USH2A protein (p.Gly5139Asp). The glycine residue is moderately conserved and there is a moderate physicochemical difference between glycine and aspartic acid. This variant is present in population databases (rs766644731, ExAC 0.009%). This variant has not been reported in the literature in individuals with USH2A-related disease. Algorithms developed to predict the effect of missense changes on protein structure and function are either unavailable or do not agree on the potential impact of this missense change (SIFT: "Deleterious"; PolyPhen-2: "Benign"; Align-GVGD: "Class C0"). In summary, the available evidence is currently insufficient to determine the role of this variant in disease. Therefore, it has been classified as a Variant of Uncertain Significance.